The following is an entry in ClinVar:

ClinVar aggregate classification (germline): Likely benign. Review status: criteria provided, multiple submitters, no conflicts (2 of 4 stars). 2 submissions from 2 submitters: Likely benign (2). Last evaluated 2022-11-08.

Allele frequency attached by ClinVar (database versions not stated): ExAC 0.00001; gnomAD exomes 0.00001; ESP Exome Variant Server 0.00015.
gnomAD v4.1: 2 of 1,614,050 alleles (0.00012%); highest among the groups gnomAD compares: Non-Finnish European, 0.000085%; no homozygotes.

Submissions (2):

Labcorp Genetics (formerly Invitae), Labcorp
Classification: Likely benign. Last evaluated: 2022-11-08. Review status: criteria provided, single submitter. Criteria: Invitae Variant Classification Sherloc (09022015). Collection method: clinical testing. Allele origin: germline.

GeneDx
Classification: Likely benign. Last evaluated: 2016-09-20. Review status: criteria provided, single submitter. Criteria: GeneDx Variant Classification (06012015). Collection method: clinical testing. Allele origin: germline. Affected: yes.
Comment: This variant is considered likely benign or benign based on one or more of the following criteria: it is a conservative change, it occurs at a poorly conserved position in the protein, it is predicted to be benign by multiple in silico algorithms, and/or has population frequency not consistent with disease.

NM_032620.4(GTPBP3):c.468C>T (p.Thr156=)

Gene: GTPBP3 (GTP binding protein 3, mitochondrial; plus strand). Cytogenetic location: 19p13.11.
Variant type: single nucleotide variant.
Coding change: c.468C>T on transcript NM_032620.4 (MANE Select); coding-DNA position 468, C replaced by T.
Protein change: p.Thr156=; no amino-acid change (threonine 156 retained).
Molecular consequence: synonymous variant.
Genome position (GRCh38, 1-based): chr19:17,338,618, C>T. VCF-style: chr19-17338618-C-T. GRCh37 (hg19) VCF-style: chr19-17449427-C-T.
Other names: c.468C>T, p.Thr156= (NM_001128855.3, NM_133644.4); c.534C>T, p.Thr178= (NM_001195422.1).
Identifiers: ClinVar variation 389195 (VCV000389195.5), dbSNP rs372721127, ClinGen allele CA9293367.